The following is an entry in ClinVar:

NM_000059.4(BRCA2):c.7442T>G (p.Ile2481Ser)

Gene: BRCA2 (BRCA2 DNA repair associated; plus strand). Cytogenetic location: 13q13.1.
Variant type: single nucleotide variant.
Coding change: c.7442T>G on transcript NM_000059.4 (MANE Select); coding-DNA position 7442, T replaced by G.
Protein change: p.Ile2481Ser; replaces isoleucine 2481 with serine.
Molecular consequence: missense variant.
Genome position (GRCh38, 1-based): chr13:32,356,434, T>G. VCF-style: chr13-32356434-T-G. GRCh37 (hg19) VCF-style: chr13-32930571-T-G.
Other names: c.7346T>G, p.Ile2449Ser (NM_001406719.1); c.7442T>G, p.Ile2481Ser (NM_001406720.1); c.2510T>G, p.Ile837Ser (NM_001406721.1); c.1025T>G, p.Ile342Ser (NM_001406722.1); short protein forms I2449S, I2481S, I342S, I837S.
Identifiers: ClinVar variation 1758940 (VCV001758940.8), dbSNP rs2137561711, ClinGen allele CA387742987.

ClinVar aggregate classification (germline): Conflicting classifications of pathogenicity. Review status: criteria provided, conflicting classifications (1 of 4 stars). 2 submissions from 2 submitters: Uncertain significance (1); Likely benign (1). Last evaluated 2025-04-16.

Conditions:
Hereditary cancer-predisposing syndrome. Also called: Neoplastic Syndromes, Hereditary; Tumor predisposition; Hereditary Cancer Syndrome; Hereditary neoplastic syndrome. Identifiers: Orphanet 140162, MedGen C0027672, MeSH D009386, MONDO:0015356.
Hereditary breast ovarian cancer syndrome. Also called: Hereditary breast and/or ovarian cancer syndrome; Hereditary breast and ovarian cancer syndrome; Breast and ovarian cancer; Hereditary breast and ovarian cancer; BRCA1- and BRCA2-Associated Hereditary Breast and Ovarian Cancer; Hereditary breast and ovarian cancer syndrome (HBOC). Identifiers: Orphanet 145, MedGen C0677776, MeSH D061325, MONDO:0003582. Disease mechanism: loss of function.

Submissions (2):

Ambry Genetics
Classification: Likely benign for Hereditary cancer-predisposing syndrome. Last evaluated: 2025-04-16. Review status: criteria provided, single submitter. Criteria: Ambry Variant Classification Scheme 2023. Collection method: clinical testing. Allele origin: germline.

Labcorp Genetics (formerly Invitae), Labcorp
Classification: Uncertain significance for Hereditary breast ovarian cancer syndrome. Last evaluated: 2022-02-24. Review status: criteria provided, single submitter. Criteria: Invitae Variant Classification Sherloc (09022015). Collection method: clinical testing. Allele origin: germline.
Comment: This sequence change replaces isoleucine, which is neutral and non-polar, with serine, which is neutral and polar, at codon 2481 of the BRCA2 protein (p.Ile2481Ser). This variant is not present in population databases (gnomAD no frequency). In summary, the available evidence is currently insufficient to determine the role of this variant in disease. Therefore, it has been classified as a Variant of Uncertain Significance. Advanced modeling of protein sequence and biophysical properties (such as structural, functional, and spatial information, amino acid conservation, physicochemical variation, residue mobility, and thermodynamic stability) performed at Invitae indicates that this missense variant is not expected to disrupt BRCA2 protein function. This variant has not been reported in the literature in individuals affected with BRCA2-related conditions.